The following is an entry in ClinVar:

NM_000051.4(ATM):c.3017T>C (p.Met1006Thr)

Gene: ATM (ATM serine/threonine kinase; plus strand). Cytogenetic location: 11q22.3.
Variant type: single nucleotide variant.
Coding change: c.3017T>C on transcript NM_000051.4 (MANE Select); coding-DNA position 3017, T replaced by C.
Protein change: p.Met1006Thr; replaces methionine 1006 with threonine.
Molecular consequence: missense variant.
Genome position (GRCh38, 1-based): chr11:108,271,346, T>C. VCF-style: chr11-108271346-T-C. GRCh37 (hg19) VCF-style: chr11-108142073-T-C.
Other names: c.3017T>C, p.Met1006Thr (NM_001351834.2); short protein forms M1006T.
Identifiers: ClinVar variation 482532 (VCV000482532.22), dbSNP rs1421074475, ClinGen allele CA382547462.

ClinVar aggregate classification (germline): Uncertain significance. Review status: criteria provided, multiple submitters, no conflicts (2 of 4 stars). 6 submissions from 6 submitters: Uncertain significance (6). Last evaluated 2025-11-15.

Conditions:
Hereditary cancer-predisposing syndrome. Also called: Hereditary neoplastic syndrome; Neoplastic Syndromes, Hereditary; Tumor predisposition; Hereditary Cancer Syndrome. Identifiers: Orphanet 140162, MedGen C0027672, MeSH D009386, MONDO:0015356.
Familial cancer of breast. Also called: BREAST CANCER, FAMILIAL; Hereditary breast cancer; hereditary breast carcinoma. Identifiers: Orphanet 227535, MedGen C0346153, MONDO:0016419, OMIM 114480. Disease mechanism: loss of function.
Ataxia-telangiectasia syndrome (AT). Also called: LOUIS-BAR SYNDROME; Cerebello-oculocutaneous telangiectasia; Immunodeficiency with ataxia telangiectasia; AT, COMPLEMENTATION GROUP C; Ataxia-telangiectasia, complementation group D; ATAXIA-TELANGIECTASIA, COMPLEMENTATION GROUP A. Identifiers: Orphanet 100, MedGen C0004135, MONDO:0008840, OMIM 208900.

Allele frequency attached by ClinVar (database versions not stated): gnomAD exomes below 0.00001; gnomAD 0.00001; TOPMed 0.00002.

Submissions (6):

Ambry Genetics
Classification: Uncertain significance for Hereditary cancer-predisposing syndrome. Last evaluated: 2025-11-15. Review status: criteria provided, single submitter. Criteria: Ambry Variant Classification Scheme 2023. Collection method: clinical testing. Allele origin: germline.
Comment: The p.M1006T variant (also known as c.3017T>C), located in coding exon 19 of the ATM gene, results from a T to C substitution at nucleotide position 3017. The methionine at codon 1006 is replaced by threonine, an amino acid with similar properties. This amino acid position is not well conserved in available vertebrate species. In addition, this alteration is predicted to be tolerated by in silico analysis. Since supporting evidence is limited at this time, the clinical significance of this alteration remains unclear.

Labcorp Genetics (formerly Invitae), Labcorp
Classification: Uncertain significance for Ataxia-telangiectasia syndrome. Last evaluated: 2025-10-07. Review status: criteria provided, single submitter. Criteria: Invitae Variant Classification Sherloc (09022015). Collection method: clinical testing. Allele origin: germline.
Comment: This sequence change replaces methionine, which is neutral and non-polar, with threonine, which is neutral and polar, at codon 1006 of the ATM protein (p.Met1006Thr). This variant is not present in population databases (gnomAD no frequency). This variant has not been reported in the literature in individuals affected with ATM-related conditions. ClinVar contains an entry for this variant (Variation ID: 482532). Invitae Evidence Modeling of protein sequence and biophysical properties (such as structural, functional, and spatial information, amino acid conservation, physicochemical variation, residue mobility, and thermodynamic stability) indicates that this missense variant is not expected to disrupt ATM protein function with a negative predictive value of 95%. In summary, the available evidence is currently insufficient to determine the role of this variant in disease. Therefore, it has been classified as a Variant of Uncertain Significance.

KCCC/NGS Laboratory, Kuwait Cancer Control Center
Classification: Uncertain significance for Familial cancer of breast. Last evaluated: 2025-01-06. Review status: criteria provided, single submitter. Criteria: ACMG Guidelines, 2015. Collection method: clinical testing. Allele origin: germline. Inheritance: Autosomal dominant inheritance. Affected: yes. Observed: 1 heterozygote.
Comment: This sequence change replaces methionine, which is neutral and non-polar, with threonine, which is neutral and polar, at codon 1006 of the ATM protein (p.Met1006Thr). This variant has not been reported in the literature in individuals affected with ATM-related conditions. This variant is not present in population databases (gnomAD no frequency). This amino acid position is not well conserved . ClinVar contains an entry for this variant (Variation ID: 482532). In addition, this alteration is predicted to be tolerated by in silico analysis. In summary, the available evidence is currently insufficient to determine the role of this variant in disease. Therefore, it has been classified as a Variant of Uncertain Significance. Heterozygous pathogenic/likely pathogenic mutations in the ATM gene are associated with susceptibility to breast cancer (OMIM 114480 ).

GeneDx
Classification: Uncertain significance. Last evaluated: 2024-07-02. Review status: criteria provided, single submitter. Criteria: GeneDx Variant Classification Process June 2021. Collection method: clinical testing. Allele origin: germline. Affected: yes.
Comment: Not observed at significant frequency in large population cohorts (gnomAD); In silico analysis indicates that this missense variant does not alter protein structure/function; Has not been previously published as pathogenic or benign to our knowledge; This variant is associated with the following publications: (PMID: 19781682)

Color Diagnostics, LLC DBA Color Health
Classification: Uncertain significance for Hereditary cancer-predisposing syndrome. Last evaluated: 2024-03-06. Review status: criteria provided, single submitter. Criteria: ACMG Guidelines, 2015. Collection method: clinical testing. Allele origin: germline.
Comment: This missense variant replaces methionine with threonine at codon 1006 of the ATM protein. Computational prediction suggests that this variant may not impact protein structure and function (internally defined REVEL score threshold <= 0.5, PMID: 27666373). Splice site prediction tools suggest that this variant may not impact RNA splicing. To our knowledge, functional studies have not been performed for this variant. This variant has not been reported in individuals affected with hereditary cancer in the literature. This variant has not been identified in the general population by the Genome Aggregation Database (gnomAD). The available evidence is insufficient to determine the role of this variant in disease conclusively. Therefore, this variant is classified as a Variant of Uncertain Significance.

Women's Health and Genetics/Laboratory Corporation of America, LabCorp
Classification: Uncertain significance. Last evaluated: 2022-09-25. Review status: criteria provided, single submitter. Criteria: LabCorp Variant Classification Summary - May 2015. Collection method: clinical testing. Allele origin: germline.